The following is an entry in ClinVar:

ClinVar aggregate classification (germline): Uncertain significance (1 of 4 stars; one submission).

Submission:

Women's Health and Genetics/Laboratory Corporation of America, LabCorp
Classification: Uncertain significance. Last evaluated: 2024-04-23. Review status: criteria provided, single submitter. Criteria: LabCorp Variant Classification Summary - May 2015. Collection method: clinical testing. Allele origin: germline.
Comment: Variant summary: DST c.7573A>C (p.Thr2525Pro) results in a non-conservative amino acid change in the encoded protein sequence. Three of five in-silico tools predict a benign effect of the variant on protein function. The variant was absent in 251196 control chromosomes. The available data on variant occurrences in the general population are insufficient to allow any conclusion about variant significance. To our knowledge, no occurrence of c.7573A>C in individuals affected with DST-Related Disorders and no experimental evidence demonstrating its impact on protein function have been reported. No submitters have cited clinical-significance assessments for this variant to ClinVar. Based on the evidence outlined above, the variant was classified as uncertain significance.

NM_001723.7(DST):c.7573A>C (p.Thr2525Pro)

Gene: DST (dystonin; minus strand). Cytogenetic location: 6p12.1.
Variant type: single nucleotide variant.
Coding change: c.7573A>C on transcript NM_001723.7 (MANE Plus Clinical); coding-DNA position 7573, A replaced by C.
Protein change: p.Thr2525Pro; replaces threonine 2525 with proline.
Molecular consequence: missense variant. On other transcripts: intron variant (10).
Genome position (GRCh38, 1-based): chr6:56,615,894, T>G on the plus strand (A>C on the coding strand, the complement: DST is on the minus strand). VCF-style: chr6-56615894-T-G. GRCh37 (hg19) VCF-style: chr6-56480692-T-G.
Other names: c.4831-1410A>C (NM_001144769.5); c.4930-1410A>C (NM_001374722.1, NM_001374736.1); c.4957-1410A>C (NM_001374734.1); c.4417-1410A>C (NM_001144770.2); c.4297-1410A>C (NM_001374730.1, NM_001386100.1, NM_183380.4 and 1 more transcripts); c.3319-1410A>C (NM_015548.5); short protein forms T2525P.
Identifiers: ClinVar variation 3251765 (VCV003251765.1), dbSNP rs1315221459.
Genomic context (GRCh38, chr6:56,615,894, plus strand): 5'-TTGCATTCACAGCTTCCACCACTGACATCATTTTGTTAGTGATGGGATGGCCAATCCCTG[T>G]GATTACTAATTCACACTGTCGCAGCTGCTGGGCAAACCCCTCATCAACCAGGCCTCTATG-3'
Protein context (NP_001714.1, residues 2515-2535): QQLRQCELVI[Thr2525Pro]GIGHPITNKM